The following is an entry in ClinVar:

ClinVar aggregate classification (germline): Uncertain significance (1 of 4 stars; one submission).

Conditions:
Luscan-Lumish syndrome. Identifiers: Orphanet 597738, MedGen C4085873, MONDO:0014791, OMIM 616831.

Allele frequency attached by ClinVar (database versions not stated): TOPMed below 0.00001; gnomAD exomes 0.00002 and 0.00001; 1000 Genomes Project 0.00020; 1000 Genomes Project 30x 0.00016; gnomAD 0.00001.
gnomAD v4.1: 25 of 1,614,038 alleles (0.0015%); highest among the groups gnomAD compares: East Asian, 0.0067%; no homozygotes.

Submission:

Labcorp Genetics (formerly Invitae), Labcorp
Classification: Uncertain significance for Luscan-Lumish syndrome. Last evaluated: 2022-08-31. Review status: criteria provided, single submitter. Criteria: Invitae Variant Classification Sherloc (09022015). Collection method: clinical testing. Allele origin: germline.
Comment: In summary, the available evidence is currently insufficient to determine the role of this variant in disease. Therefore, it has been classified as a Variant of Uncertain Significance. Algorithms developed to predict the effect of missense changes on protein structure and function (SIFT, PolyPhen-2, Align-GVGD) all suggest that this variant is likely to be tolerated. This variant is present in population databases (rs200569407, gnomAD 0.01%). This variant has not been reported in the literature in individuals affected with SETD2-related conditions. This sequence change replaces leucine, which is neutral and non-polar, with serine, which is neutral and polar, at codon 981 of the SETD2 protein (p.Leu981Ser). ClinVar contains an entry for this variant (Variation ID: 542226).

NM_014159.7(SETD2):c.2942T>C (p.Leu981Ser)

Gene: SETD2 (SET domain containing 2, histone lysine methyltransferase; minus strand). Cytogenetic location: 3p21.31.
Variant type: single nucleotide variant.
Coding change: c.2942T>C on transcript NM_014159.7 (MANE Select); coding-DNA position 2942, T replaced by C.
Protein change: p.Leu981Ser; replaces leucine 981 with serine.
Molecular consequence: missense variant. On other transcripts: non-coding transcript variant (1).
Genome position (GRCh38, 1-based): chr3:47,121,694, A>G on the plus strand (T>C on the coding strand, the complement: SETD2 is on the minus strand). VCF-style: chr3-47121694-A-G. GRCh37 (hg19) VCF-style: chr3-47163184-A-G.
Other names: c.2810T>C, p.Leu937Ser (NM_001349370.3); short protein forms L981S, L937S.
Identifiers: ClinVar variation 542226 (VCV000542226.6), dbSNP rs200569407, ClinGen allele CA73809618.